The following is an entry in ClinVar:

NM_014727.3(KMT2B):c.6210_6213del (p.Ser2070fs)

Gene: KMT2B (lysine methyltransferase 2B; plus strand). Cytogenetic location: 19q13.12.
Variant type: Deletion.
Coding change: c.6210_6213del on transcript NM_014727.3 (MANE Select); coding-DNA positions 6210 to 6213, 4 bases deleted (TGAG; older notation c.6210_6213delTGAG).
Protein change: p.Ser2070fs; shifts the reading frame from serine 2070.
Molecular consequence: frameshift variant.
Genome position (GRCh38, 1-based): chr19:35,732,759-35,732,762, TGAG deleted; deleting any 4 consecutive bases within chr19:35,732,757-35,732,762 gives the same sequence; the c. name uses the placement nearest the transcript's 3' end. VCF-style (leftmost placement, unchanged base first): chr19-35732756-CAGTG-C. GRCh37 (hg19) VCF-style: chr19-36223657-CAGTG-C.
Other names: short protein forms S2070fs.
Identifiers: ClinVar variation 1374033 (VCV001374033.8), dbSNP rs2146468805, ClinGen allele CA2573156247.

ClinVar aggregate classification (germline): Pathogenic. Review status: criteria provided, multiple submitters, no conflicts (2 of 4 stars). 3 submissions from 3 submitters: Pathogenic (3). Last evaluated 2025-01-23.

Submissions (3):

Revvity Omics, Revvity
Classification: Pathogenic. Last evaluated: 2025-01-23. Review status: criteria provided, single submitter. Criteria: ACMG Guidelines, 2015. Collection method: clinical testing. Allele origin: germline.

GeneDx
Classification: Pathogenic. Last evaluated: 2022-01-21. Review status: criteria provided, single submitter. Criteria: GeneDx Variant Classification Process June 2021. Collection method: clinical testing. Allele origin: germline. Affected: yes.
Comment: Frameshift variant predicted to result in protein truncation or nonsense mediated decay in a gene for which loss-of-function is a known mechanism of disease; Not observed at significant frequency in large population cohorts (gnomAD); This variant is associated with the following publications: (PMID: 31216378, 34380541)

Labcorp Genetics (formerly Invitae), Labcorp
Classification: Pathogenic. Last evaluated: 2021-09-06. Review status: criteria provided, single submitter. Criteria: Invitae Variant Classification Sherloc (09022015). Collection method: clinical testing. Allele origin: germline.
Comment: For these reasons, this variant has been classified as Pathogenic. This sequence change creates a premature translational stop signal (p.Ser2070Argfs*20) in the KMT2B gene. It is expected to result in an absent or disrupted protein product. Loss-of-function variants in KMT2B are known to be pathogenic (PMID: 27839873, 27992417). This variant is not present in population databases (ExAC no frequency). This premature translational stop signal has been observed in individual(s) with childhood-onset dystonia (PMID: 31216378). In at least one individual the variant was observed to be de novo.

Literature cited by the submitters: PubMed 27839873 (cited by Labcorp Genetics (formerly Invitae), Labcorp); PubMed 27992417 (cited by Labcorp Genetics (formerly Invitae), Labcorp); PubMed 31216378 (cited by Labcorp Genetics (formerly Invitae), Labcorp).